The following is an entry in ClinVar:

NM_017534.6(MYH2):c.1986C>A (p.Asn662Lys)

Genes: MYH2 (myosin heavy chain 2; minus strand), MYHAS (myosin heavy chain gene cluster antisense RNA; plus strand). Cytogenetic location: 17p13.1.
Variant type: single nucleotide variant.
Coding change: c.1986C>A on transcript NM_017534.6 (MANE Select); coding-DNA position 1986, C replaced by A.
Protein change: p.Asn662Lys; replaces asparagine 662 with lysine.
Molecular consequence: missense variant.
Genome position (GRCh38, 1-based): chr17:10,535,354, G>T on the plus strand (C>A on the coding strand, the complement: MYH2 is on the minus strand). VCF-style: chr17-10535354-G-T. GRCh37 (hg19) VCF-style: chr17-10438671-G-T.
Other names: c.1986C>A, p.Asn662Lys (NM_001100112.2); short protein forms N662K.
Identifiers: ClinVar variation 3705110 (VCV003705110.2).
Genomic context (GRCh38, chr17:10,535,354, plus strand): 5'-ATTGGGGATGATACACCTCACAAAGTGAGGATGGGTACTCCTGAGGTTGGTCATCAGCTT[G>T]TTCAAATTCTCCTGTAAAACCAGGAAAAATCCTGTCATTTTAGGCTCTAGACATGGATAT-3'
Protein context (NP_060004.3, residues 652-672): TVSALFRENL[Asn662Lys]KLMTNLRSTH

ClinVar aggregate classification (germline): Uncertain significance (1 of 4 stars; one submission).

Conditions:
Myopathy, proximal, and ophthalmoplegia (CMYO6). Also called: INCLUSION BODY MYOPATHY 3, AUTOSOMAL DOMINANT; MYOPATHY WITH CONGENITAL JOINT CONTRACTURES, OPHTHALMOPLEGIA, AND RIMMED VACUOLES; CONGENITAL MYOPATHY 6 WITH OPHTHALMOPLEGIA. Identifiers: Orphanet 363677, Orphanet 79091, MedGen C1854106, MONDO:0011577, OMIM 605637.

gnomAD v4.1: 1 of 1,614,038 alleles (0.000062%); no homozygotes.

Submission:

Labcorp Genetics (formerly Invitae), Labcorp
Classification: Uncertain significance for Myopathy, proximal, and ophthalmoplegia. Last evaluated: 2024-04-16. Review status: criteria provided, single submitter. Criteria: Invitae Variant Classification Sherloc (09022015). Collection method: clinical testing. Allele origin: germline.
Comment: This sequence change replaces asparagine, which is neutral and polar, with lysine, which is basic and polar, at codon 662 of the MYH2 protein (p.Asn662Lys). This variant is not present in population databases (gnomAD no frequency). This variant has not been reported in the literature in individuals affected with MYH2-related conditions. Advanced modeling of protein sequence and biophysical properties (such as structural, functional, and spatial information, amino acid conservation, physicochemical variation, residue mobility, and thermodynamic stability) performed at Invitae indicates that this missense variant is not expected to disrupt MYH2 protein function with a negative predictive value of 80%. In summary, the available evidence is currently insufficient to determine the role of this variant in disease. Therefore, it has been classified as a Variant of Uncertain Significance.